The following is an entry in ClinVar:

NM_001378615.1(CC2D2A):c.4744G>A (p.Gly1582Arg)

Genes: FBXL5 (F-box and leucine rich repeat protein 5; minus strand), CC2D2A (coiled-coil and C2 domain containing 2A; plus strand). Cytogenetic location: 4p15.32.
Variant type: single nucleotide variant.
Coding change: c.4744G>A on transcript NM_001378615.1 (MANE Select); coding-DNA position 4744, G replaced by A.
Protein change: p.Gly1582Arg; replaces glycine 1582 with arginine.
Molecular consequence: missense variant.
Genome position (GRCh38, 1-based): chr4:15,601,306, G>A. VCF-style: chr4-15601306-G-A. GRCh37 (hg19) VCF-style: chr4-15602929-G-A.
Other names: c.4744G>A, p.Gly1582Arg (NM_001080522.2); c.4597G>A, p.Gly1533Arg (NM_001378617.1); short protein forms G1533R, G1582R.
Identifiers: ClinVar variation 3368077 (VCV003368077.1).
Genomic context (GRCh38, chr4:15,601,306, plus strand): 5'-TTTCCTCTTCACATGCCTTATTCTGAAGTGAAGCCTTTAATTGACGCTGTGTATAGTACT[G>A]GAGTACATAATATTGATGTTCCTAATGTTGAATTTGCTTTAGCTGTATACATACACCCAT-3'
Protein context (NP_001365544.1, residues 1572-1592): KPLIDAVYST[Gly1582Arg]VHNIDVPNVE

ClinVar aggregate classification (germline): Uncertain significance (1 of 4 stars; one submission).

Submission:

GeneDx
Classification: Uncertain significance. Last evaluated: 2024-01-29. Review status: criteria provided, single submitter. Criteria: GeneDx Variant Classification Process June 2021. Collection method: clinical testing. Allele origin: germline. Affected: yes.
Comment: Not observed at significant frequency in large population cohorts (gnomAD); In silico analysis supports that this missense variant has a deleterious effect on protein structure/function; Has not been previously published as pathogenic or benign to our knowledge